The following is an entry in ClinVar:

NM_015702.3(MMADHC):c.609+8_609+100del

Gene: MMADHC (metabolism of cobalamin associated D; minus strand). Cytogenetic location: 2q23.2.
Variant type: Deletion.
Coding change: c.609+8_609+100del on transcript NM_015702.3 (MANE Select); bases 8 to 100 of the intron after coding-DNA position 609, 93 bases deleted.
Molecular consequence: intron variant.
Genome position (GRCh38, 1-based): chr2:149,575,611-149,575,703, 93 bases deleted. GRCh37 (hg19): chr2:150,432,129-150,432,221.
Identifiers: ClinVar variation 513941 (VCV000513941.40), dbSNP rs1553453945, ClinGen allele CA10606361.

ClinVar aggregate classification (germline): Conflicting classifications of pathogenicity. Review status: criteria provided, conflicting classifications (1 of 4 stars). 6 submissions from 6 submitters: Uncertain significance (1); Likely benign (4). 1 of the submissions does not count toward it. Last evaluated 2026-07-01.

Conditions:
MMADHC-related disorder. Also called: MMADHC-related condition.
Methylmalonic aciduria and homocystinuria type cblD (MAHCD). Also called: METHYLMALONIC ACIDEMIA, cblH TYPE; Methylmalonic aciduria with homocystinuria cblD type. Identifiers: Orphanet 622, Orphanet 79283, MedGen C1848552, MONDO:0010185, OMIM 277410.

Submissions (6):

CeGaT Center for Human Genetics Tuebingen
Classification: Likely benign. Last evaluated: 2026-07-01. Review status: criteria provided, single submitter. Criteria: CeGaT Center For Human Genetics Tuebingen Variant Classification Criteria Version 2. Collection method: clinical testing. Allele origin: germline. Affected: yes. Observed: 2 variant alleles.
Comment: MMADHC: BP4, BS1

Labcorp Genetics (formerly Invitae), Labcorp
Classification: Likely benign for Methylmalonic aciduria and homocystinuria type cblD. Last evaluated: 2026-01-30. Review status: criteria provided, single submitter. Criteria: Invitae Variant Classification Sherloc (09022015). Collection method: clinical testing. Allele origin: germline.

Blueprint Genetics
Classification: Likely benign. Last evaluated: 2024-11-25. Review status: criteria provided, single submitter. Criteria: ACMG Guidelines, 2015. Collection method: clinical testing. Allele origin: germline.

GeneDx
Classification: Likely benign. Last evaluated: 2017-12-01. Review status: criteria provided, single submitter. Criteria: GeneDx Variant Classification (06012015). Collection method: clinical testing. Allele origin: germline. Affected: yes.
Comment: This variant is considered likely benign or benign based on one or more of the following criteria: it is a conservative change, it occurs at a poorly conserved position in the protein, it is predicted to be benign by multiple in silico algorithms, and/or has population frequency not consistent with disease.

Eurofins Ntd Llc (ga)
Classification: Uncertain significance. Last evaluated: 2016-08-04. Review status: criteria provided, single submitter. Criteria: EGL Classification Definitions 2015. Collection method: clinical testing. Allele origin: germline. Observed: 1 variant allele, 1 heterozygote.

PreventionGenetics, part of Exact Sciences
Classification: Likely benign for MMADHC-related condition. Last evaluated: 2020-10-05. Review status: no assertion criteria provided. Collection method: clinical testing. Allele origin: germline. Not counted in ClinVar's aggregate classification.
Comment: This variant is classified as likely benign based on ACMG/AMP sequence variant interpretation guidelines (Richards et al. 2015 PMID: 25741868, with internal and published modifications).